The following is an entry in ClinVar:

NM_032387.5(WNK4):c.2017C>T (p.Arg673Ter)

Gene: WNK4 (WNK lysine deficient protein kinase 4; plus strand). Cytogenetic location: 17q21.2.
Variant type: single nucleotide variant.
Coding change: c.2017C>T on transcript NM_032387.5 (MANE Select); coding-DNA position 2017, C replaced by T.
Protein change: p.Arg673Ter; replaces arginine 673 with a stop codon.
Molecular consequence: nonsense.
Genome position (GRCh38, 1-based): chr17:42,788,384, C>T. VCF-style: chr17-42788384-C-T. GRCh37 (hg19) VCF-style: chr17-40940402-C-T.
Other names: c.1009C>T, p.Arg337Ter (NM_001321299.2); short protein forms R337*, R673*.
Identifiers: ClinVar variation 2744843 (VCV002744843.3), dbSNP rs749704694, ClinGen allele CA8584184.

ClinVar aggregate classification (germline): Uncertain significance (1 of 4 stars; one submission).

Allele frequency attached by ClinVar (database versions not stated): ExAC 0.00003; TOPMed 0.00003; gnomAD 0.00002.
gnomAD v4.1: 20 of 1,612,848 alleles (0.0012%); highest among the groups gnomAD compares: South Asian, 0.0088%; 1 homozygote.

Submission:

Labcorp Genetics (formerly Invitae), Labcorp
Classification: Uncertain significance. Last evaluated: 2025-05-09. Review status: criteria provided, single submitter. Criteria: Invitae Variant Classification Sherloc (09022015). Collection method: clinical testing. Allele origin: germline.
Comment: This sequence change creates a premature translational stop signal (p.Arg673*) in the WNK4 gene. It is expected to result in an absent or disrupted protein product. However, the current clinical and genetic evidence is not sufficient to establish whether loss-of-function variants in WNK4 cause disease. This variant is present in population databases (rs749704694, gnomAD 0.006%). This variant has not been reported in the literature in individuals affected with WNK4-related conditions. ClinVar contains an entry for this variant (Variation ID: 2744843). In summary, the available evidence is currently insufficient to determine the role of this variant in disease. Therefore, it has been classified as a Variant of Uncertain Significance.